The following is an entry in ClinVar:

ClinVar aggregate classification (germline): Uncertain significance (1 of 4 stars; one submission).

Conditions:
Distal myopathy with posterior leg and anterior hand involvement. Also called: WILLIAMS DISTAL MYOPATHY. Identifiers: Orphanet 63273, MedGen C3279722, MONDO:0013550, OMIM 614065.
Hypertrophic cardiomyopathy 26. Also called: Cardiomyopathy, familial hypertrophic, 26. Identifiers: Orphanet 75249, MedGen C4310749, MONDO:0014883, OMIM 617047.
Myofibrillar myopathy 5. Also called: Filaminopathy (type); FILAMINOPATHY, AUTOSOMAL DOMINANT. Identifiers: Orphanet 171445, MedGen C1836050, MONDO:0012289, OMIM 609524.

Submission:

Labcorp Genetics (formerly Invitae), Labcorp
Classification: Uncertain significance for Distal myopathy with posterior leg and anterior hand involvement; Myofibrillar myopathy 5; Hypertrophic cardiomyopathy 26. Last evaluated: 2024-08-28. Review status: criteria provided, single submitter. Criteria: Invitae Variant Classification Sherloc (09022015). Collection method: clinical testing. Allele origin: germline.
Comment: This sequence change replaces glycine, which is neutral and non-polar, with serine, which is neutral and polar, at codon 2070 of the FLNC protein (p.Gly2070Ser). This variant also falls at the last nucleotide of exon 37, which is part of the consensus splice site for this exon. This variant is not present in population databases (gnomAD no frequency). This missense change has been observed in individuals with cardiomyopathy (PMID: 27908349, 28416588, 30418145, 36396199). ClinVar contains an entry for this variant (Variation ID: 2136612). An algorithm developed to predict the effect of missense changes on protein structure and function (PolyPhen-2) suggests that this variant is likely to be disruptive. Variants that disrupt the consensus splice site are a relatively common cause of aberrant splicing (PMID: 17576681, 9536098). Algorithms developed to predict the effect of sequence changes on RNA splicing suggest that this variant may disrupt the consensus splice site. In summary, the available evidence is currently insufficient to determine the role of this variant in disease. Therefore, it has been classified as a Variant of Uncertain Significance.

Literature cited by the submitters: PubMed 27908349; PubMed 28416588; PubMed 30418145; PubMed 36396199; PubMed 17576681; PubMed 9536098.

NM_001458.5(FLNC):c.6208G>A (p.Gly2070Ser)

Genes: FLNC-AS1 (FLNC antisense RNA 1; minus strand), FLNC (filamin C; plus strand). Cytogenetic location: 7q32.1.
Variant type: single nucleotide variant.
Coding change: c.6208G>A on transcript NM_001458.5 (MANE Select); coding-DNA position 6208, G replaced by A.
Protein change: p.Gly2070Ser; replaces glycine 2070 with serine.
Molecular consequence: missense variant.
Genome position (GRCh38, 1-based): chr7:128,853,031, G>A. VCF-style: chr7-128853031-G-A. GRCh37 (hg19) VCF-style: chr7-128493085-G-A.
Other names: c.6109G>A, p.Gly2037Ser (NM_001127487.2); short protein forms G2037S, G2070S.
Identifiers: ClinVar variation 2136612 (VCV002136612.4), dbSNP rs2536660657, ClinGen allele CA369211716.